The following is an entry in ClinVar:

ClinVar aggregate classification (germline): Likely benign (0 of 4 stars; one submission).

Conditions:
ANKRD26-related disorder. Also called: ANKRD26-related condition.

Submission:

PreventionGenetics, part of Exact Sciences
Classification: Likely benign for ANKRD26-related condition. Last evaluated: 2022-08-06. Review status: no assertion criteria provided. Collection method: clinical testing. Allele origin: germline.
Comment: This variant is classified as likely benign based on ACMG/AMP sequence variant interpretation guidelines (Richards et al. 2015 PMID: 25741868, with internal and published modifications).

NM_014915.3(ANKRD26):c.4954-4dup

Gene: ANKRD26 (ankyrin repeat domain containing 26; minus strand). Cytogenetic location: 10p12.1.
Variant type: Duplication.
Coding change: c.4954-4dup on transcript NM_014915.3 (MANE Select); 4 bases into the intron before coding-DNA position 4954, one base duplicated (T; older notation c.4954-4dupT).
Molecular consequence: intron variant.
Genome position (GRCh38, 1-based): chr10:27,006,966, A duplicated on the plus strand (T on the coding strand, the reverse complement: ANKRD26 is on the minus strand); the first of 6 consecutive A bases (chr10:27,006,966-27,006,971); duplicating any one gives the same sequence. VCF-style (leftmost placement, unchanged base first): chr10-27006965-G-GA. GRCh37 (hg19) VCF-style: chr10-27295894-G-GA.
Other names: c.4951-4dup (NM_001256053.2).
Identifiers: ClinVar variation 3043852 (VCV003043852.2), dbSNP rs1311638766, ClinGen allele CA592373940.